The following is an entry in ClinVar:

ClinVar aggregate classification (germline): not provided (0 of 4 stars; one submission).

Conditions:
Developmental and epileptic encephalopathy, 7 (DEE7). Also called: KCNQ2-Related Neonatal Epileptic Encephalopathy; Early infantile epileptic encephalopathy 7; KCNQ2-Related Neonatal-Onset Developmental and Epileptic Encephalopathy (NEO-DEE). Identifiers: Orphanet 439218, MedGen C3150986, MONDO:0013387, OMIM 613720.

Submission:

GeneReviews
No classification provided. Condition: Developmental and epileptic encephalopathy, 7. Review status: no classification provided. Collection method: literature only. Allele origin: germline. Affected: yes.
Comment: EE (epileptic encephalopathy)

Literature cited by the submitters: PubMed 25959266; NCBI Bookshelf NBK32534.

NM_172107.4(KCNQ2):c.715G>C (p.Gly239Arg)

Gene: KCNQ2 (potassium voltage-gated channel subfamily Q member 2; minus strand). Cytogenetic location: 20q13.33.
Variant type: single nucleotide variant.
Coding change: c.715G>C on transcript NM_172107.4 (MANE Select); coding-DNA position 715, G replaced by C.
Protein change: p.Gly239Arg; replaces glycine 239 with arginine.
Molecular consequence: missense variant.
Genome position (GRCh38, 1-based): chr20:63,442,507, C>G on the plus strand (G>C on the coding strand, the complement: KCNQ2 is on the minus strand). VCF-style: chr20-63442507-C-G. GRCh37 (hg19) VCF-style: chr20-62073860-C-G.
Other names: c.715G>C, p.Gly239Arg (NM_004518.6, NM_172106.3, NM_172108.5 and 1 more transcripts); short protein forms G239R.
Identifiers: ClinVar variation 369760 (VCV000369760.2), dbSNP rs1057516092, ClinGen allele CA10654819.